The following is an entry in ClinVar:

NM_153676.4(USH1C):c.2656-47C>T

Gene: USH1C (USH1 protein network component harmonin; minus strand). Cytogenetic location: 11p15.1.
Variant type: single nucleotide variant.
Coding change: c.2656-47C>T on transcript NM_153676.4 (MANE Select); 47 bases into the intron before coding-DNA position 2656, C replaced by T.
Molecular consequence: intron variant.
Genome position (GRCh38, 1-based): chr11:17,494,423, G>A on the plus strand (C>T on the coding strand, the complement: USH1C is on the minus strand). VCF-style: chr11-17494423-G-A. GRCh37 (hg19) VCF-style: chr11-17515970-G-A.
Other names: c.1590-47C>T (NM_001297764.2); c.1647-47C>T (NM_005709.4).
Identifiers: ClinVar variation 262733 (VCV000262733.4), dbSNP rs2072225, ClinGen allele CA5904059.

ClinVar aggregate classification (germline): Benign. Review status: criteria provided, multiple submitters, no conflicts (2 of 4 stars). 5 submissions from 4 submitters: Benign (5). Last evaluated 2021-12-05.

Conditions:
Usher syndrome type 1C. Also called: USHER SYNDROME, TYPE I, ACADIAN VARIETY. Identifiers: Orphanet 231169, Orphanet 886, MedGen C1848604, MONDO:0010171, OMIM 276904.
Autosomal recessive nonsyndromic hearing loss 18A. Also called: Deafness, autosomal recessive 18A; DEAFNESS, AUTOSOMAL RECESSIVE 18. Identifiers: Orphanet 90636, MedGen C1865870, MONDO:0011192, OMIM 602092.

Allele frequency attached by ClinVar (database versions not stated): 1000 Genomes Project 30x 0.31418; 1000 Genomes Project 0.31470; TOPMed 0.36795; gnomAD 0.37746 and 0.38117; gnomAD exomes 0.37862 and 0.41601; ESP Exome Variant Server 0.38917; ExAC 0.39356.
gnomAD v4.1: 643,251 of 1,562,516 alleles (41%); highest among the groups gnomAD compares: Non-Finnish European, 43%; 134,592 homozygotes.

Submissions (5):

Genome-Nilou Lab
Classification: Benign for Autosomal recessive nonsyndromic hearing loss 18A. Last evaluated: 2021-12-05. Review status: criteria provided, single submitter. Criteria: ACMG Guidelines, 2015. Collection method: clinical testing. Allele origin: germline. Affected: no.

Genome-Nilou Lab
Classification: Benign for Usher syndrome type 1C. Last evaluated: 2021-12-05. Review status: criteria provided, single submitter. Criteria: ACMG Guidelines, 2015. Collection method: clinical testing. Allele origin: germline. Affected: no.

GeneDx
Classification: Benign. Last evaluated: 2018-06-14. Review status: criteria provided, single submitter. Criteria: GeneDx Variant Classification (06012015). Collection method: clinical testing. Allele origin: germline. Affected: yes.
Comment: This variant is considered likely benign or benign based on one or more of the following criteria: it is a conservative change, it occurs at a poorly conserved position in the protein, it is predicted to be benign by multiple in silico algorithms, and/or has population frequency not consistent with disease.

Breakthrough Genomics
Classification: Benign. Review status: criteria provided, single submitter. Criteria: ACMG Guidelines, 2015. Collection method: not provided. Allele origin: germline. Inheritance: Autosomal recessive inheritance. Affected: yes.

PreventionGenetics, part of Exact Sciences
Classification: Benign. Review status: criteria provided, single submitter. Criteria: ACMG Guidelines, 2015. Collection method: clinical testing. Allele origin: germline.